The following is an entry in ClinVar:

ClinVar aggregate classification (germline): Uncertain significance (1 of 4 stars; one submission).

gnomAD v4.1: 2 of 1,614,070 alleles (0.00012%); highest among the groups gnomAD compares: East Asian, 0.0045%; no homozygotes.

Submission:

Women's Health and Genetics/Laboratory Corporation of America, LabCorp
Classification: Uncertain significance. Last evaluated: 2025-02-26. Review status: criteria provided, single submitter. Criteria: LabCorp Variant Classification Summary - May 2015. Collection method: clinical testing. Allele origin: germline.
Comment: Variant summary: MCCC1 c.629G>C (p.Gly210Ala) results in a non-conservative amino acid change in the encoded protein sequence. Five of five in-silico tools predict a damaging effect of the variant on protein function. The variant allele was found at a frequency of 4e-06 in 251458 control chromosomes. c.629G>C has been reported in the presumed compound heterozygous state in the literature in at least 2 individuals affected with Methylcrotonyl-CoA Carboxylase Deficiency (example, Cheng_2023). These data indicate that the variant may be associated with disease. To our knowledge, no experimental evidence demonstrating an impact on protein function has been reported. The following publication has been ascertained in the context of this evaluation (PMID: 36822454). No submitters have cited clinical-significance assessments for this variant to ClinVar. Based on the evidence outlined above, the variant was classified as VUS-possibly pathogenic.

Literature cited by the submitters: PubMed 36822454.

NM_020166.5(MCCC1):c.629G>C (p.Gly210Ala)

Gene: MCCC1 (methylcrotonyl-CoA carboxylase subunit 1; minus strand). Cytogenetic location: 3q27.1.
Variant type: single nucleotide variant.
Coding change: c.629G>C on transcript NM_020166.5 (MANE Select); coding-DNA position 629, G replaced by C.
Protein change: p.Gly210Ala; replaces glycine 210 with alanine.
Molecular consequence: missense variant. On other transcripts: non-coding transcript variant (2).
Genome position (GRCh38, 1-based): chr3:183,071,220, C>G on the plus strand (G>C on the coding strand, the complement: MCCC1 is on the minus strand). VCF-style: chr3-183071220-C-G. GRCh37 (hg19) VCF-style: chr3-182789008-C-G.
Other names: c.278G>C, p.Gly93Ala (NM_001293273.2); c.302G>C, p.Gly101Ala (NM_001363880.1); short protein forms G101A, G210A, G93A.
Identifiers: ClinVar variation 3768653 (VCV003768653.1).